The following is an entry in ClinVar:

ClinVar aggregate classification (germline): Uncertain significance. Review status: criteria provided, multiple submitters, no conflicts (2 of 4 stars). 2 submissions from 2 submitters: Uncertain significance (2). Last evaluated 2025-06-19.

Conditions:
Inborn genetic diseases. Identifiers: MedGen C0950123, MeSH D030342.

Allele frequency attached by ClinVar (database versions not stated): gnomAD 0.00016; TOPMed 0.00017; 1000 Genomes Project 0.00020; ESP Exome Variant Server 0.00023; 1000 Genomes Project 30x 0.00031.
gnomAD v4.1: 63 of 1,614,186 alleles (0.0039%); highest among the groups gnomAD compares: African/African-American, 0.056%; no homozygotes.

Submissions (2):

Ambry Genetics
Classification: Uncertain significance for Inborn genetic diseases. Last evaluated: 2025-06-19. Review status: criteria provided, single submitter. Criteria: Ambry Variant Classification Scheme 2023. Collection method: clinical testing. Allele origin: germline.

Labcorp Genetics (formerly Invitae), Labcorp
Classification: Uncertain significance. Last evaluated: 2022-03-12. Review status: criteria provided, single submitter. Criteria: Invitae Variant Classification Sherloc (09022015). Collection method: clinical testing. Allele origin: germline.
Comment: This sequence change replaces aspartic acid, which is acidic and polar, with glutamic acid, which is acidic and polar, at codon 904 of the UNC45B protein (p.Asp904Glu). This variant is present in population databases (rs149061988, gnomAD 0.09%). This variant has not been reported in the literature in individuals affected with UNC45B-related conditions. Algorithms developed to predict the effect of missense changes on protein structure and function (SIFT, PolyPhen-2, Align-GVGD) all suggest that this variant is likely to be tolerated. In summary, the available evidence is currently insufficient to determine the role of this variant in disease. Therefore, it has been classified as a Variant of Uncertain Significance.

NM_001267052.2(UNC45B):c.2706T>A (p.Asp902Glu)

Gene: UNC45B (unc-45 myosin chaperone B; plus strand). Cytogenetic location: 17q12.
Variant type: single nucleotide variant.
Coding change: c.2706T>A on transcript NM_001267052.2 (MANE Select); coding-DNA position 2706, T replaced by A.
Protein change: p.Asp902Glu; replaces aspartic acid 902 with glutamic acid.
Molecular consequence: missense variant.
Genome position (GRCh38, 1-based): chr17:35,186,475, T>A. VCF-style: chr17-35186475-T-A. GRCh37 (hg19) VCF-style: chr17-33513494-T-A.
Other names: c.2706T>A, p.Asp902Glu (NM_001033576.2); c.2469T>A, p.Asp823Glu (NM_001308281.1); c.2712T>A, p.Asp904Glu (NM_173167.3); c.2712T>A (NM_173167.2); short protein forms D902E, D904E, D823E.
Identifiers: ClinVar variation 1426172 (VCV001426172.9), dbSNP rs149061988, ClinGen allele CA8501620.
Genomic context (GRCh38, chr17:35,186,475, plus strand): 5'-GAAGCTGGTGGAGAGTGAGCTGCTGGAGATCCTGACTGTGGTGGGCAAACAGGAGCCAGA[T>A]GAGAAGAAGGCAGAAGTGGTTCAGACAGCCCGAGAATGTCTCATCAAGTGCATGGATTAT-3'
Protein context (NP_001253981.1, residues 892-912): ILTVVGKQEP[Asp902Glu]EKKAEVVQTA